The following is an entry in ClinVar:

ClinVar aggregate classification (germline): Likely pathogenic (1 of 4 stars; one submission).

Conditions:
Long QT syndrome 1 (LQT1). Identifiers: Orphanet 101016, Orphanet 768, MedGen C4551647, MONDO:0100316, OMIM 192500, MONDO:0008646.

Submission:

New York Genome Center
Classification: Likely pathogenic for Long QT syndrome 1. Last evaluated: 2022-09-15. Review status: criteria provided, single submitter. Criteria: NYGC Assertion Criteria 2020. Collection method: clinical testing. Allele origin: inherited. Observed: 1 heterozygote. Study: PrenatalSEQ.
Comment: The c.1771C>A variant in KCNQ1 has not previously been reported in the literature or public variant repositories (ClinVar and LOVD), and is absent from population databases (gnomAD v2.1.1 and v3.1.2, TOPMed Freeze 8), suggesting it is not a common benign variant in the populations represented in those databases.The c.1771C>A variant in KCNQ1 is located in exon 15 of this 16-exon gene, and is predicted to replace an evolutionarily conserved arginine amino acid with serine at position 591 in the coiled-coiled region of the encoded protein. In silico predictions are moderately in favor of damaging effect for the p.(Arg591Ser) variant [CADD v1.6 = 26, REVEL = 0.912]; however, there are no functional studies to support or refute these predictions. Variants affecting the same residue (p.(Arg591His), p.(Arg591Cys), p.(Arg591Leu)) and nearby residues (p.(Ala590Thr), p.(Gly589Asp), p.(Arg594Gln)) have been reported in the literature [PMID: 10024302, 17470695, 22949429, 23158531, 29622001, 31737537, 32383558, 34505893, 34860437] and ClinVar [ClinVar IDs: 3140, 53015, 53016, 53017, 53018, 200857] in individuals with long QT syndrome. Functional studies demonstrated reduced channel current activity for the p.Arg591His variant supporting the functional importance of the p.Arg591 residue [PMID: 16253915]. Based on available evidence this inherited heterozygous c.1771C>A p.(Arg591Ser) variant identified in KCNQ1 is classified as Likely Pathogenic.

NM_000218.3(KCNQ1):c.1771C>A (p.Arg591Ser)

Gene: KCNQ1 (potassium voltage-gated channel subfamily Q member 1; plus strand). Cytogenetic location: 11p15.5.
Variant type: single nucleotide variant.
Coding change: c.1771C>A on transcript NM_000218.3 (MANE Select); coding-DNA position 1771, C replaced by A.
Protein change: p.Arg591Ser; replaces arginine 591 with serine.
Molecular consequence: missense variant.
Genome position (GRCh38, 1-based): chr11:2,778,014, C>A. VCF-style: chr11-2778014-C-A. GRCh37 (hg19) VCF-style: chr11-2799244-C-A.
Other names: c.1675C>A, p.Arg559Ser (NM_001406836.1); c.1501C>A, p.Arg501Ser (NM_001406837.1); c.1231C>A, p.Arg411Ser (NM_001406838.1); c.283C>A, p.Arg95Ser (NM_001406839.1); c.1390C>A, p.Arg464Ser (NM_181798.2); short protein forms R411S, R464S, R501S, R559S, R591S, R95S.
Identifiers: ClinVar variation 3235934 (VCV003235934.1), dbSNP rs199473483, ClinGen allele CA379139740.